The following is an entry in ClinVar:

NM_000157.4(GBA1):c.475C>T (p.Arg159Trp)

Genes: GBA1 (glucosylceramidase beta 1; minus strand), LOC106627981 (GBA recombination region; plus strand). Cytogenetic location: 1q22.
Variant type: single nucleotide variant.
Coding change: c.475C>T on transcript NM_000157.4 (MANE Select); coding-DNA position 475, C replaced by T.
Protein change: p.Arg159Trp; replaces arginine 159 with tryptophan.
Molecular consequence: missense variant.
Genome position (GRCh38, 1-based): chr1:155,238,630, G>A on the plus strand (C>T on the coding strand, the complement: GBA1 is on the minus strand). VCF-style: chr1-155238630-G-A. GRCh37 (hg19) VCF-style: chr1-155208421-G-A.
Other names: c.475C>T, p.Arg159Trp (NM_001005741.3, NM_001005742.3); c.214C>T, p.Arg72Trp (NM_001171811.2); c.328C>T, p.Arg110Trp (NM_001171812.2); short protein forms R159W, R110W, R72W.
Identifiers: ClinVar variation 65570 (VCV000065570.86), dbSNP rs439898, ClinGen allele CA221398.

ClinVar aggregate classification (germline): Pathogenic. Review status: criteria provided, multiple submitters, no conflicts (2 of 4 stars). 12 submissions from 12 submitters: Pathogenic (11). 1 of the submissions does not count toward it. Last evaluated 2025-12-15.

Conditions:
GBA1-related disorder. Also called: GBA1-related condition.
Gaucher disease. Also called: Acute cerebral Gaucher disease; Cerebroside lipidosis syndrome; Gaucher splenomegaly; Sphingolipidosis 1; Glucocerebrosidosis; Glucosylceramidase deficiency. Identifiers: Orphanet 355, MedGen C0017205, MONDO:0018150.
Gaucher disease type II (GD2). Also called: Type 2 Gaucher disease (Acute; Infantile); GAUCHER DISEASE, ACUTE NEURONOPATHIC TYPE; GD II; Acute neuronopathic Gaucher's disease. Identifiers: Orphanet 77260, MedGen C0268250, MONDO:0009266, OMIM 230900.

Allele frequency attached by ClinVar (database versions not stated): gnomAD 0.00003 and 0.00005.

Submissions 1 to 9 of 12:

Labcorp Genetics (formerly Invitae), Labcorp
Classification: Pathogenic. Last evaluated: 2025-12-15. Review status: criteria provided, single submitter. Criteria: Invitae Variant Classification Sherloc (09022015). Collection method: clinical testing. Allele origin: germline.
Comment: This sequence change replaces arginine, which is basic and polar, with tryptophan, which is neutral and slightly polar, at codon 159 of the GBA protein (p.Arg159Trp). The frequency data for this variant in the population databases is considered unreliable, as metrics indicate poor data quality at this position in the gnomAD database. This missense change has been observed in individual(s) with dementia with Lewy bodies, Gaucher disease, and/or Parkinson's disease (PMID: 17395504, 17427031, 22623374, 23430543, 23588557, 24126159, 24313877). This variant is also known as p.Arg120Trp. ClinVar contains an entry for this variant (Variation ID: 65570). Invitae Evidence Modeling of protein sequence and biophysical properties (such as structural, functional, and spatial information, amino acid conservation, physicochemical variation, residue mobility, and thermodynamic stability) indicates that this missense variant is expected to disrupt GBA protein function with a positive predictive value of 80%. This variant disrupts the p.Arg159 amino acid residue in GBA. Other variant(s) that disrupt this residue have been observed in individuals with GBA-related conditions (PMID: 17059888), which suggests that this may be a clinically significant amino acid residue. For these reasons, this variant has been classified as Pathogenic.

Greenwood Genetic Center Diagnostic Laboratories, Greenwood Genetic Center
Classification: Pathogenic for GBA1-related disorder. Last evaluated: 2025-12-02. Review status: criteria provided, single submitter. Criteria: ACMG Guidelines, 2015. Collection method: clinical testing. Allele origin: germline. Affected: yes.
Comment: PS3_Moderate, PM2, PM3_Very Strong

Natera, Inc.
Classification: Pathogenic for Gaucher disease. Last evaluated: 2025-07-29. Review status: criteria provided, single submitter. Criteria: Natera Variant Classification Schema (03/2026). Collection method: clinical testing. Allele origin: germline.
Comment: The c.475C>T variant in GBA1 is a missense variant predicted to cause substitution of arginine to tryptophan at amino acid 159. This variant is rare in the general population with a frequency below the threshold expected for the associated phenotype(s). This variant has been observed in one or more individuals affected with the associated recessive disease, as either homozygous or compound heterozygous with a second variant (PMID: 22429443). Given the available evidence, this variant is classified as Pathogenic.

CeGaT Center for Human Genetics Tuebingen
Classification: Pathogenic. Last evaluated: 2025-03-01. Review status: criteria provided, single submitter. Criteria: CeGaT Center For Human Genetics Tuebingen Variant Classification Criteria Version 2. Collection method: clinical testing. Allele origin: germline. Affected: yes. Observed: 2 variant alleles.
Comment: GBA1: PM3:Very Strong, PM2, PS3:Supporting

Women's Health and Genetics/Laboratory Corporation of America, LabCorp
Classification: Pathogenic for Gaucher disease. Last evaluated: 2023-01-25. Review status: criteria provided, single submitter. Criteria: LabCorp Variant Classification Summary - May 2015. Collection method: clinical testing. Allele origin: germline.
Comment: Variant summary: GBA c.475C>T (p.Arg159Trp) results in a non-conservative amino acid change located in the TIM-barrel domain (IPR033453) of the encoded protein sequence. Five of five in-silico tools predict a damaging effect of the variant on protein function. The variant allele was found at a frequency of 4.6e-05 in 150660 control chromosomes (gnomAD, v3.1). c.475C>T has been reported in the literature in individuals affected with Gaucher Disease, including multiple cases in which it has been reported in trans with a pathogenic variant (c.1226A>G, p.Asn409Ser) in the same gene (e.g. D'Amore_2021, Silva Garcia_2021). The c.475C>T variant has also been reported in the heterozygous state in individuals affected with Parkinson disease (e.g. Mitsui_2009). These data indicate that the variant is very likely to be associated with disease. Additionally, this variant affects the same amino acid residue where a different missence change (c.476G>A, p.Arg159Gln) has been determined to be pathogenic. Six submitters have provided clinical-significance assessments for this variant to ClinVar after 2014 and all classified the variant as pathogenic. Based on the evidence outlined above, the variant was classified as pathogenic.

Revvity Omics, Revvity
Classification: Pathogenic. Last evaluated: 2021-06-22. Review status: criteria provided, single submitter. Criteria: ACMG Guidelines, 2015. Collection method: clinical testing. Allele origin: germline.

Mayo Clinic Laboratories, Mayo Clinic
Classification: Pathogenic. Last evaluated: 2021-06-18. Review status: criteria provided, single submitter. Criteria: ACMG Guidelines, 2015. Collection method: clinical testing. Allele origin: germline.
Comment: PS3, PS4_moderate, PM2, PP3, PP4

Victorian Clinical Genetics Services, Murdoch Childrens Research Institute
Classification: Pathogenic for Gaucher disease. Last evaluated: 2020-07-02. Review status: criteria provided, single submitter. Criteria: ACMG Guidelines, 2015. Collection method: clinical testing. Allele origin: germline. Inheritance: Autosomal recessive inheritance. Affected: yes.
Comment: Based on the classification scheme VCGS_Germline_v1.3.3, this variant is classified as Pathogenic. Following criteria are met: 0102 - Loss of function is a known mechanism of disease in this gene and is associated with Gaucher disease. (I) 0106 - This gene is associated with autosomal recessive disease. (I) 0115 - Variants in this gene are known to have variable expressivity. Intrafamilial variability has been reported (PMID: 24022302, 31010158). (I) 0200 - Variant is predicted to result in a missense amino acid change from arginine to tryptophan (exon 5). (I) 0251 - This variant is heterozygous. (I) 0304 - Variant is present in gnomAD <0.01 for a recessive condition (v3; 4 heterozygotes, 0 homozygotes). (SP) 0309 - Multiple alternative amino acid changes at the same position have been observed in gnomAD (v2; highest allele count: 2 heterozygotes, 0 homozygotes). (I) 0501 - Missense variant consistently predicted to be damaging by multiple in silico tools or highly conserved with a major amino acid change. (SP) 0600 - Variant is located in the annotated Glyco_hydro_30C domain (NCBI, PDB, DECIPHER). (I) 0801 - This variant has strong previous evidence of pathogenicity in unrelated individuals. This variant has been observed in both homozygotes and compound heterozygotes with Gaucher disease (Clinvar; PMID: 17395504, 10796875, 10649495, 28727984). (SP) 1201 - Heterozygous variant detected in trans with a second pathogenic heterozygous variant NM_000157.3: c.1448T>C; p.(Leu483Pro) in a recessive disease (SEALS report ref 20R142425B). (SP) 1208 - Inheritance information for this variant is not currently available in this individual. (I) Legend: (SP) - Supporting pathogenic, (I) - Information, (SB) - Supporting benign

Broad Center for Mendelian Genomics, Broad Institute of MIT and Harvard
Classification: Pathogenic for Gaucher disease. Last evaluated: 2020-01-14. Review status: criteria provided, single submitter. Criteria: ACMG Guidelines, 2015. Collection method: curation. Allele origin: germline. Inheritance: Autosomal recessive inheritance.
Comment: The p.Arg159Trp variant in GBA has been reported in at least 8 individuals with Gaucher disease (PMID: 28727984, 22623374, 17395504, 27865684, 29685539, 30764785). Data from large population studies is insufficient to assess the frequency of this variant. This variant has also been reported in ClinVar (VariationID: 65570) as pathogenic by EGL Genetic Diagnostics. In vitro functional studies demonstrating reduced protein levels and activity in cells of Gaucher disease patient's provide some evidence that the p.Arg159Trp variant may slightly impact protein function (PMID: 22623374, 27865684). However, these types of assays may not accurately represent biological function. Animal models in Drosophila melanogaster have shown that this variant causes Gaucher disease (PMID: 23936319). Computational prediction tools and conservation analyses suggest that this variant may impact the protein, though this information is not predictive enough to determine pathogenicity. Additionally, the presence of this variant in combination with reported pathogenic variants and in 6 individuals with Gaucher disease increases the likelihood that the p.Arg159Trp variant is pathogenic (VariationID: 4288, 93459, 4290, 4297; PMID: 28727984, 22623374, 17395504, 30764785). One additional pathogenic variant, resulting in a different amino acid change at the same position, p.Arg159Gln, has been reported in association with Gaucher disease in the literature and ClinVar, supporting that this variant may be pathogenic (PMID: 22658918, 15214004, 17560820, 17059888; VariationID: 4291). In summary, this variant meets criteria to be classified as pathogenic for Gaucher disease in an autosomal recessive manner based on the presence of the variant in combination with other pathogenic variants, functional studies in vitro and in animal models, and computational evidence. ACMG/AMP Criteria applied: PM3_strong, PS3, PP3 (Richards 2015).